The following is an entry in ClinVar:

ClinVar aggregate classification (germline): Uncertain significance. Review status: criteria provided, multiple submitters, no conflicts (2 of 4 stars). 2 submissions from 2 submitters: Uncertain significance (2). Last evaluated 2026-01-12.

Conditions:
DMXL2-related disorder. Also called: DMXL2-related condition.

Allele frequency attached by ClinVar (database versions not stated): gnomAD 0.00001; gnomAD exomes 0.00002; ExAC 0.00004; TOPMed 0.00004.
gnomAD v4.1: 27 of 1,578,446 alleles (0.0017%); highest among the groups gnomAD compares: East Asian, 0.05%; no homozygotes.

Submissions (2):

PreventionGenetics, part of Exact Sciences
Classification: Uncertain significance for DMXL2-related condition. Last evaluated: 2026-01-12. Review status: criteria provided, single submitter. Criteria: ACMG Guidelines, 2015. Collection method: clinical testing. Allele origin: germline.
Comment: The DMXL2 c.257T>C variant is predicted to result in the amino acid substitution p.Leu86Ser. This variant was reported in an individual with Hearing loss, temporal bone anomalies and developmental delay (Santos-Cortez et al. 2021. PubMed ID: 33924653). This variant is reported in 0.070% of alleles in individuals of East Asian descent in gnomAD, which is higher than expected for disease causing variant. Although we suspect that this variant may be benign, at this time, the clinical significance of this variant is uncertain due to the absence of conclusive functional and genetic evidence.

Labcorp Genetics (formerly Invitae), Labcorp
Classification: Uncertain significance. Last evaluated: 2022-08-16. Review status: criteria provided, single submitter. Criteria: Invitae Variant Classification Sherloc (09022015). Collection method: clinical testing. Allele origin: germline.
Comment: This sequence change replaces leucine, which is neutral and non-polar, with serine, which is neutral and polar, at codon 86 of the DMXL2 protein (p.Leu86Ser). This variant is present in population databases (rs761692429, gnomAD 0.07%). This missense change has been observed in individual(s) with deafness, bone anomalies, and developmental delay (PMID: 33924653). Algorithms developed to predict the effect of missense changes on protein structure and function are either unavailable or do not agree on the potential impact of this missense change (SIFT: "Deleterious"; PolyPhen-2: "Probably Damaging"; Align-GVGD: "Class C0"). In summary, the available evidence is currently insufficient to determine the role of this variant in disease. Therefore, it has been classified as a Variant of Uncertain Significance.

Literature cited by the submitters: PubMed 33924653 (cited by Labcorp Genetics (formerly Invitae), Labcorp).

NM_001378457.1(DMXL2):c.257T>C (p.Leu86Ser)

Gene: DMXL2 (Dmx like 2; minus strand). Cytogenetic location: 15q21.2.
Variant type: single nucleotide variant.
Coding change: c.257T>C on transcript NM_001378457.1 (MANE Select); coding-DNA position 257, T replaced by C.
Protein change: p.Leu86Ser; replaces leucine 86 with serine.
Molecular consequence: missense variant. On other transcripts: non-coding transcript variant (2).
Genome position (GRCh38, 1-based): chr15:51,568,515, A>G on the plus strand (T>C on the coding strand, the complement: DMXL2 is on the minus strand). VCF-style: chr15-51568515-A-G. GRCh37 (hg19) VCF-style: chr15-51860712-A-G.
Other names: c.257T>C, p.Leu86Ser (NM_001174116.3, NM_001174117.3, NM_001378458.1 and 7 more transcripts); c.257T>C (NM_001174116.1); short protein forms L86S.
Identifiers: ClinVar variation 2077234 (VCV002077234.2), dbSNP rs761692429, ClinGen allele CA7562888.